The following is an entry in ClinVar:

ClinVar aggregate classification (germline): Uncertain significance. Review status: criteria provided, multiple submitters, no conflicts (2 of 4 stars). 3 submissions from 3 submitters: Uncertain significance (3). Last evaluated 2023-05-01.

Conditions:
Dilated cardiomyopathy 1G (CMD1G). Identifiers: Orphanet 154, MedGen C1858763, MONDO:0011400, OMIM 604145.
Autosomal recessive limb-girdle muscular dystrophy type 2J (LGMDR10). Also called: Limb-girdle muscular dystrophy, type 2J; MUSCULAR DYSTROPHY, LIMB-GIRDLE, AUTOSOMAL RECESSIVE 10. Identifiers: Orphanet 140922, MedGen C1837342, MONDO:0012127, OMIM 608807.

Allele frequency attached by ClinVar (database versions not stated): gnomAD exomes 0.00001 and 0.00004; TOPMed 0.00001; ExAC 0.00005.
gnomAD v4.1: 16 of 1,613,768 alleles (0.00099%); highest among the groups gnomAD compares: Middle Eastern, 0.017%; no homozygotes.

Submissions (3):

CeGaT Center for Human Genetics Tuebingen
Classification: Uncertain significance. Last evaluated: 2023-05-01. Review status: criteria provided, single submitter. Criteria: CeGaT Center For Human Genetics Tuebingen Variant Classification Criteria Version 2. Collection method: clinical testing. Allele origin: germline. Affected: yes. Observed: 1 variant allele.
Comment: TTN: PM2

Labcorp Genetics (formerly Invitae), Labcorp
Classification: Uncertain significance for Dilated cardiomyopathy 1G; Autosomal recessive limb-girdle muscular dystrophy type 2J. Last evaluated: 2017-03-10. Review status: criteria provided, single submitter. Criteria: Invitae Variant Classification Sherloc (09022015). Collection method: clinical testing. Allele origin: germline.

Eurofins Ntd Llc (ga)
Classification: Uncertain significance. Last evaluated: 2017-03-09. Review status: criteria provided, single submitter. Criteria: EGL Classification Definitions 2015. Collection method: clinical testing. Allele origin: germline. Observed: 1 variant allele, 1 heterozygote.

NM_001267550.2(TTN):c.82606G>A (p.Glu27536Lys)

Genes: TTN (titin; minus strand), TTN-AS1 (TTN antisense RNA 1; plus strand). Cytogenetic location: 2q31.2.
Variant type: single nucleotide variant.
Coding change: c.82606G>A on transcript NM_001267550.2 (MANE Select); coding-DNA position 82606, G replaced by A.
Protein change: p.Glu27536Lys; replaces glutamic acid 27536 with lysine.
Molecular consequence: missense variant.
Genome position (GRCh38, 1-based): chr2:178,563,526, C>T on the plus strand (G>A on the coding strand, the complement: TTN is on the minus strand). VCF-style: chr2-178563526-C-T. GRCh37 (hg19) VCF-style: chr2-179428253-C-T.
Other names: c.77683G>A, p.Glu25895Lys (NM_001256850.1); c.55411G>A, p.Glu18471Lys (NM_003319.4); c.74902G>A, p.Glu24968Lys (NM_133378.4); c.55786G>A, p.Glu18596Lys (NM_133432.3); c.55987G>A, p.Glu18663Lys (NM_133437.4); short protein forms E27536K, E24968K, E18596K, E25895K, E18471K, E18663K.
Identifiers: ClinVar variation 467547 (VCV000467547.31), dbSNP rs745974517, ClinGen allele CA1989042.